The following is an entry in ClinVar:

ClinVar aggregate classification (germline): Likely benign (0 of 4 stars; one submission).

Conditions:
Familial cancer of breast. Also called: BREAST CANCER, FAMILIAL; hereditary breast carcinoma; Hereditary breast cancer. Identifiers: Orphanet 227535, MedGen C0346153, MONDO:0016419, OMIM 114480. Disease mechanism: loss of function.

Submission:

Leiden Open Variation Database
Classification: Likely benign for Familial cancer of breast. Last evaluated: 2019-05-13. Review status: no assertion criteria provided. Collection method: curation. Allele origin: germline. Affected: yes.
Comment: Curators: Marc Tischkowitz, Arleen D. Auerbach. Submitter to LOVD: Marc Tischkowitz.

Literature cited by the submitters: PubMed 20122277.

NM_024675.4(PALB2):c.2996+58T>C

Gene: PALB2 (partner and localizer of BRCA2; minus strand). Cytogenetic location: 16p12.2.
Variant type: single nucleotide variant.
Coding change: c.2996+58T>C on transcript NM_024675.4 (MANE Select); 58 bases into the intron after coding-DNA position 2996, T replaced by C.
Molecular consequence: intron variant.
Genome position (GRCh38, 1-based): chr16:23,622,911, A>G on the plus strand (T>C on the coding strand, the complement: PALB2 is on the minus strand). VCF-style: chr16-23622911-A-G. GRCh37 (hg19) VCF-style: chr16-23634232-A-G.
Identifiers: ClinVar variation 126703 (VCV000126703.3), dbSNP rs180177129, ClinGen allele CA269592.